The following is an entry in ClinVar:

NM_016239.4(MYO15A):c.9083dup (p.Asp3029fs)

Gene: MYO15A (myosin XVA; plus strand). Cytogenetic location: 17p11.2.
Variant type: Duplication.
Coding change: c.9083dup on transcript NM_016239.4 (MANE Select); coding-DNA position 9083, one base duplicated (A; older notation c.9083dupA).
Protein change: p.Asp3029fs; shifts the reading frame from aspartic acid 3029.
Molecular consequence: frameshift variant.
Genome position (GRCh38, 1-based): chr17:18,158,638, A duplicated. VCF-style (leftmost placement, unchanged base first): chr17-18158637-C-CA. GRCh37 (hg19) VCF-style: chr17-18061951-C-CA.
Other names: short protein forms D3029fs.
Identifiers: ClinVar variation 2845575 (VCV002845575.3), dbSNP rs2545307720, ClinGen allele CA2739267237.

ClinVar aggregate classification (germline): Pathogenic (1 of 4 stars; one submission).

Submission:

Labcorp Genetics (formerly Invitae), Labcorp
Classification: Pathogenic. Last evaluated: 2023-03-14. Review status: criteria provided, single submitter. Criteria: Invitae Variant Classification Sherloc (09022015). Collection method: clinical testing. Allele origin: germline.
Comment: This sequence change creates a premature translational stop signal (p.Asp3029Glyfs*64) in the MYO15A gene. It is expected to result in an absent or disrupted protein product. Loss-of-function variants in MYO15A are known to be pathogenic (PMID: 17546645). This variant is not present in population databases (gnomAD no frequency). This variant has not been reported in the literature in individuals affected with MYO15A-related conditions. For these reasons, this variant has been classified as Pathogenic.

Literature cited by the submitters: PubMed 17546645.